The following is an entry in ClinVar:

NM_001004334.4(GPR179):c.5861T>C (p.Leu1954Pro)

Gene: GPR179 (G protein-coupled receptor 179; minus strand). Cytogenetic location: 17q12.
Variant type: single nucleotide variant.
Coding change: c.5861T>C on transcript NM_001004334.4 (MANE Select); coding-DNA position 5861, T replaced by C.
Protein change: p.Leu1954Pro; replaces leucine 1954 with proline.
Molecular consequence: missense variant.
Genome position (GRCh38, 1-based): chr17:38,327,708, A>G on the plus strand (T>C on the coding strand, the complement: GPR179 is on the minus strand). VCF-style: chr17-38327708-A-G. GRCh37 (hg19) VCF-style: chr17-36483591-A-G.
Other names: short protein forms L1954P.
Identifiers: ClinVar variation 1502138 (VCV001502138.4), dbSNP rs746745923, ClinGen allele CA290103273.

ClinVar aggregate classification (germline): Uncertain significance (1 of 4 stars; one submission).

Allele frequency attached by ClinVar (database versions not stated): ExAC 0.00002; gnomAD exomes 0.00002 and 0.00004; TOPMed 0.00002; gnomAD 0.00003 and 0.00004.
gnomAD v4.1: 70 of 1,614,046 alleles (0.0043%); highest among the groups gnomAD compares: Non-Finnish European, 0.0057%; no homozygotes.

Submission:

Labcorp Genetics (formerly Invitae), Labcorp
Classification: Uncertain significance. Last evaluated: 2022-09-19. Review status: criteria provided, single submitter. Criteria: Invitae Variant Classification Sherloc (09022015). Collection method: clinical testing. Allele origin: germline.
Comment: This variant has not been reported in the literature in individuals affected with GPR179-related conditions. In summary, the available evidence is currently insufficient to determine the role of this variant in disease. Therefore, it has been classified as a Variant of Uncertain Significance. Algorithms developed to predict the effect of missense changes on protein structure and function output the following: SIFT: "Deleterious"; PolyPhen-2: "Benign"; Align-GVGD: "Class C0". The proline amino acid residue is found in multiple mammalian species, which suggests that this missense change does not adversely affect protein function. ClinVar contains an entry for this variant (Variation ID: 1502138). This variant is present in population databases (rs746745923, gnomAD 0.006%). This sequence change replaces leucine, which is neutral and non-polar, with proline, which is neutral and non-polar, at codon 1954 of the GPR179 protein (p.Leu1954Pro).